The following is an entry in ClinVar:

NM_001743.6(CALM2):c.313G>C (p.Glu105Gln)

Gene: CALM2 (calmodulin 2; minus strand). Cytogenetic location: 2p21.
Variant type: single nucleotide variant.
Coding change: c.313G>C on transcript NM_001743.6 (MANE Select); coding-DNA position 313, G replaced by C.
Protein change: p.Glu105Gln; replaces glutamic acid 105 with glutamine.
Molecular consequence: missense variant.
Genome position (GRCh38, 1-based): chr2:47,161,831, C>G on the plus strand (G>C on the coding strand, the complement: CALM2 is on the minus strand). VCF-style: chr2-47161831-C-G. GRCh37 (hg19) VCF-style: chr2-47388970-C-G.
Other names: c.457G>C, p.Glu153Gln (NM_001305624.1); c.205G>C, p.Glu69Gln (NM_001305625.2, NM_001305626.1); short protein forms E105Q, E153Q, E69Q.
Identifiers: ClinVar variation 2500174 (VCV002500174.1), dbSNP rs2465707237, ClinGen allele CA346719247.

ClinVar aggregate classification (germline): Likely pathogenic (1 of 4 stars; one submission).

Conditions:
Long QT syndrome 15 (LQT15). Identifiers: Orphanet 101016, Orphanet 768, MedGen C4015695, MONDO:0014550, OMIM 616249.

Submission:

Institute of Human Genetics, FAU Erlangen, Friedrich-Alexander-Universität Erlangen-Nürnberg
Classification: Likely pathogenic for Long QT syndrome 15. Last evaluated: 2023-05-01. Review status: criteria provided, single submitter. Criteria: Hauer et al. (Genet Med. 2018). Collection method: clinical testing. Allele origin: germline. Inheritance: Autosomal dominant inheritance. Affected: yes. Observed: 1 variant allele.
Comment: This variant has been identified by standard clinical testing. de novo Selected ACMG criteria: Likely pathogenic (II):PM2;PS2